The following is an entry in ClinVar:

NM_001369268.1(ACAN):c.2266+4G>A

Gene: ACAN (aggrecan; plus strand). Cytogenetic location: 15q26.1.
Variant type: single nucleotide variant.
Coding change: c.2266+4G>A on transcript NM_001369268.1 (MANE Select); 4 bases into the intron after coding-DNA position 2266, G replaced by A.
Molecular consequence: intron variant.
Genome position (GRCh38, 1-based): chr15:88,852,037, G>A. VCF-style: chr15-88852037-G-A. GRCh37 (hg19) VCF-style: chr15-89395268-G-A.
Other names: c.2266+4G>A (NM_013227.4, NM_001411097.1, NM_001411096.1 and 1 more transcripts).
Identifiers: ClinVar variation 3678397 (VCV003678397.2).

ClinVar aggregate classification (germline): Uncertain significance (1 of 4 stars; one submission).

gnomAD v4.1: 18 of 1,588,946 alleles (0.0011%); highest among the groups gnomAD compares: Non-Finnish European, 0.0015%; no homozygotes.

Submission:

Labcorp Genetics (formerly Invitae), Labcorp
Classification: Uncertain significance. Last evaluated: 2024-10-10. Review status: criteria provided, single submitter. Criteria: Invitae Variant Classification Sherloc (09022015). Collection method: clinical testing. Allele origin: germline.
Comment: This sequence change falls in intron 11 of the ACAN gene. It does not directly change the encoded amino acid sequence of the ACAN protein. It affects a nucleotide within the consensus splice site. This variant is not present in population databases (gnomAD no frequency). This variant has not been reported in the literature in individuals affected with ACAN-related conditions. Variants that disrupt the consensus splice site are a relatively common cause of aberrant splicing (PMID: 17576681, 9536098). Algorithms developed to predict the effect of sequence changes on RNA splicing suggest that this variant is not likely to affect RNA splicing. In summary, the available evidence is currently insufficient to determine the role of this variant in disease. Therefore, it has been classified as a Variant of Uncertain Significance.

Literature cited by the submitters: PubMed 17576681; PubMed 9536098.